The following is an entry in ClinVar:

ClinVar aggregate classification (germline): Uncertain significance. Review status: criteria provided, multiple submitters, no conflicts (2 of 4 stars). 2 submissions from 2 submitters: Uncertain significance (2). Last evaluated 2025-02-03.

Conditions:
Hereditary cancer-predisposing syndrome. Also called: Hereditary neoplastic syndrome; Neoplastic Syndromes, Hereditary; Tumor predisposition; Hereditary Cancer Syndrome. Identifiers: Orphanet 140162, MedGen C0027672, MeSH D009386, MONDO:0015356.

Submissions (2):

Ambry Genetics
Classification: Uncertain significance for Hereditary cancer-predisposing syndrome. Last evaluated: 2025-02-03. Review status: criteria provided, single submitter. Criteria: Ambry Variant Classification Scheme 2023. Collection method: clinical testing. Allele origin: germline.
Comment: The p.Q2052H variant (also known as c.6156G>C), located in coding exon 45 of the POLE gene, results from a G to C substitution at nucleotide position 6156. The glutamine at codon 2052 is replaced by histidine, an amino acid with highly similar properties. This amino acid position is conserved. In addition, the in silico prediction for this alteration is inconclusive. Based on the available evidence, the clinical significance of this variant remains unclear.

Labcorp Genetics (formerly Invitae), Labcorp
Classification: Uncertain significance. Last evaluated: 2021-08-27. Review status: criteria provided, single submitter. Criteria: Invitae Variant Classification Sherloc (09022015). Collection method: clinical testing. Allele origin: germline.
Comment: In summary, the available evidence is currently insufficient to determine the role of this variant in disease. Therefore, it has been classified as a Variant of Uncertain Significance. Algorithms developed to predict the effect of missense changes on protein structure and function are either unavailable or do not agree on the potential impact of this missense change (SIFT: "Tolerated"; PolyPhen-2: "Possibly Damaging"; Align-GVGD: "Class C0"). This variant has not been reported in the literature in individuals affected with POLE-related conditions. This variant is not present in population databases (ExAC no frequency). This sequence change replaces glutamine with histidine at codon 2052 of the POLE protein (p.Gln2052His). The glutamine residue is moderately conserved and there is a small physicochemical difference between glutamine and histidine.

NM_006231.4(POLE):c.6156G>C (p.Gln2052His)

Gene: POLE (DNA polymerase epsilon, catalytic subunit; minus strand). Cytogenetic location: 12q24.33.
Variant type: single nucleotide variant.
Coding change: c.6156G>C on transcript NM_006231.4 (MANE Select); coding-DNA position 6156, G replaced by C.
Protein change: p.Gln2052His; replaces glutamine 2052 with histidine.
Molecular consequence: missense variant.
Genome position (GRCh38, 1-based): chr12:132,632,489, C>G on the plus strand (G>C on the coding strand, the complement: POLE is on the minus strand). VCF-style: chr12-132632489-C-G. GRCh37 (hg19) VCF-style: chr12-133209075-C-G.
Other names: c.6156G>C (NM_006231.2); short protein forms Q2052H.
Identifiers: ClinVar variation 1508814 (VCV001508814.7), dbSNP rs149841283, ClinGen allele CA387369996.